The following is an entry in ClinVar:

NM_004360.5(CDH1):c.2204C>G (p.Ala735Gly)

Gene: CDH1 (cadherin 1; plus strand). Cytogenetic location: 16q22.1.
Variant type: single nucleotide variant.
Coding change: c.2204C>G on transcript NM_004360.5 (MANE Select); coding-DNA position 2204, C replaced by G.
Protein change: p.Ala735Gly; replaces alanine 735 with glycine.
Molecular consequence: missense variant.
Genome position (GRCh38, 1-based): chr16:68,828,213, C>G. VCF-style: chr16-68828213-C-G. GRCh37 (hg19) VCF-style: chr16-68862116-C-G.
Other names: c.2204C>G (NM_004360.4); c.656C>G, p.Ala219Gly (NM_001317185.2); c.239C>G, p.Ala80Gly (NM_001317186.2); c.2021C>G, p.Ala674Gly (NM_001317184.2); short protein forms A219G, A674G, A735G, A80G.
Identifiers: ClinVar variation 1036333 (VCV001036333.12), dbSNP rs587782464, ClinGen allele CA396469551.
Genomic context (GRCh38, chr16:68,828,213, plus strand): 5'-CTGTCTCCCCCACCATCCCAGTTCTGATTCTGCTGCTCTTGCTGTTTCTTCGGAGGAGAG[C>G]GGTGGTCAAAGAGCCCTTACTGCCCCCAGAGGATGACACCCGGGACAACGTTTATTACTA-3'
Protein context (NP_004351.1, residues 725-745): LLLLLFLRRR[Ala735Gly]VVKEPLLPPE

ClinVar aggregate classification (germline): Conflicting classifications of pathogenicity. Review status: criteria provided, conflicting classifications (1 of 4 stars). 3 submissions from 3 submitters: Uncertain significance (2); Likely benign (1). Last evaluated 2025-07-30.

Conditions:
Hereditary cancer-predisposing syndrome. Also called: Neoplastic Syndromes, Hereditary; Hereditary Cancer Syndrome; Tumor predisposition; Hereditary neoplastic syndrome. Identifiers: Orphanet 140162, MedGen C0027672, MeSH D009386, MONDO:0015356.
Hereditary diffuse gastric adenocarcinoma (HDGC). Also called: DIFFUSE GASTRIC AND LOBULAR BREAST CANCER SYNDROME. Identifiers: Orphanet 26106, MedGen C1708349, MONDO:0007648, OMIM 137215.
CDH1-related diffuse gastric and lobular breast cancer syndrome. Also called: CDH1-related diffuse gastric and lobular breast cancer. Identifiers: MedGen CN311521, MONDO:0100488.

gnomAD v4.1: 2 of 1,613,918 alleles (0.00012%); highest among the groups gnomAD compares: Non-Finnish European, 0.000085%; no homozygotes.

Submissions (3):

Labcorp Genetics (formerly Invitae), Labcorp
Classification: Uncertain significance for Hereditary diffuse gastric adenocarcinoma. Last evaluated: 2025-07-30. Review status: criteria provided, single submitter. Criteria: Invitae Variant Classification Sherloc (09022015). Collection method: clinical testing. Allele origin: germline.
Comment: This sequence change replaces alanine, which is neutral and non-polar, with glycine, which is neutral and non-polar, at codon 735 of the CDH1 protein (p.Ala735Gly). This variant is present in population databases (no rsID available, gnomAD 0.01%). This variant has not been reported in the literature in individuals affected with CDH1-related conditions. ClinVar contains an entry for this variant (Variation ID: 1036333). An algorithm developed to predict the effect of missense changes on protein structure and function outputs the following: PolyPhen-2: "Benign". The glycine amino acid residue is found in multiple mammalian species, which suggests that this missense change does not adversely affect protein function. In summary, the available evidence is currently insufficient to determine the role of this variant in disease. Therefore, it has been classified as a Variant of Uncertain Significance.

Ambry Genetics
Classification: Likely benign for Hereditary cancer-predisposing syndrome. Last evaluated: 2024-12-11. Review status: criteria provided, single submitter. Criteria: Ambry Variant Classification Scheme 2023. Collection method: clinical testing. Allele origin: germline.

Department of Pathology and Laboratory Medicine, Sinai Health System
Classification: Uncertain significance for CDH1-related diffuse gastric and lobular breast cancer syndrome. Last evaluated: 2019-12-17. Review status: criteria provided, single submitter. Criteria: ACMG Guidelines, 2015. Collection method: clinical testing. Allele origin: germline. Affected: yes.